The following is an entry in ClinVar:

ClinVar aggregate classification (germline): Uncertain significance (1 of 4 stars; one submission).

Conditions:
Common variable immunodeficiency (CVID). Also called: Common variable hypogamma-globulinemia; Common variable agammaglobulinemia. Identifiers: Orphanet 1572, MedGen C0009447, MONDO:0015517.

gnomAD v4.1: 1 of 1,301,350 alleles (0.000077%); highest among the groups gnomAD compares: Non-Finnish European, 0.000097%; no homozygotes.

Submission:

Labcorp Genetics (formerly Invitae), Labcorp
Classification: Uncertain significance for Common variable immunodeficiency. Last evaluated: 2024-12-03. Review status: criteria provided, single submitter. Criteria: Invitae Variant Classification Sherloc (09022015). Collection method: clinical testing. Allele origin: germline.
Comment: This sequence change replaces arginine, which is basic and polar, with serine, which is neutral and polar, at codon 10 of the TNFSF12 protein (p.Arg10Ser). This variant is not present in population databases (gnomAD no frequency). This variant has not been reported in the literature in individuals affected with TNFSF12-related conditions. Experimental studies and prediction algorithms are not available or were not evaluated, and the functional significance of this variant is currently unknown. In summary, the available evidence is currently insufficient to determine the role of this variant in disease. Therefore, it has been classified as a Variant of Uncertain Significance.

NM_003809.3(TNFSF12):c.30G>T (p.Arg10Ser)

Genes: TNFSF12 (TNF superfamily member 12; plus strand), TNFSF12-TNFSF13 (TNFSF12-TNFSF13 readthrough; plus strand), LOC130060153 (ATAC-STARR-seq lymphoblastoid silent region 8127; plus strand). Cytogenetic location: 17p13.1.
Variant type: single nucleotide variant.
Coding change: c.30G>T on transcript NM_003809.3 (MANE Select); coding-DNA position 30, G replaced by T.
Protein change: p.Arg10Ser; replaces arginine 10 with serine.
Molecular consequence: missense variant. On other transcripts: non-coding transcript variant (1).
Genome position (GRCh38, 1-based): chr17:7,549,183, G>T. VCF-style: chr17-7549183-G-T. GRCh37 (hg19) VCF-style: chr17-7452500-G-T.
Other names: c.30G>T, p.Arg10Ser (NM_172089.4); short protein forms R10S.
Identifiers: ClinVar variation 3694417 (VCV003694417.2).
Genomic context (GRCh38, chr17:7,549,183, plus strand): 5'-GGCGGTGAGGCAGGCACAGCCCCCCGCCCCCATGGCCGCCCGTCGGAGCCAGAGGCGGAG[G>T]GGGCGCCGGGGGGAGCCGGGCACCGCCCTGCTGGTCCCGCTCGCGCTGGGCCTGGGCCTG-3'
Protein context (NP_003800.1, residues 1-20): MAARRSQRR[Arg10Ser]GRRGEPGTAL